The following is an entry in ClinVar:

ClinVar aggregate classification (germline): Uncertain significance (1 of 4 stars; one submission).

Conditions:
Hereditary cancer-predisposing syndrome. Also called: Neoplastic Syndromes, Hereditary; Tumor predisposition; Hereditary Cancer Syndrome; Hereditary neoplastic syndrome. Identifiers: Orphanet 140162, MedGen C0027672, MeSH D009386, MONDO:0015356.

Submission:

Ambry Genetics
Classification: Uncertain significance for Hereditary cancer-predisposing syndrome. Last evaluated: 2025-07-03. Review status: criteria provided, single submitter. Criteria: Ambry Variant Classification Scheme 2023. Collection method: clinical testing. Allele origin: germline.
Comment: The p.H59Q variant (also known as c.177C>A), located in coding exon 2 of the TSC1 gene, results from a C to A substitution at nucleotide position 177. The histidine at codon 59 is replaced by glutamine, an amino acid with highly similar properties. This amino acid position is conserved. In addition, this alteration is predicted to be tolerated by in silico analysis. Based on the available evidence, the clinical significance of this variant remains unclear.

NM_000368.5(TSC1):c.177C>A (p.His59Gln)

Gene: TSC1 (TSC complex subunit 1; minus strand). Cytogenetic location: 9q34.13.
Variant type: single nucleotide variant.
Coding change: c.177C>A on transcript NM_000368.5 (MANE Select); coding-DNA position 177, C replaced by A.
Protein change: p.His59Gln; replaces histidine 59 with glutamine.
Molecular consequence: missense variant. On other transcripts: 5 prime UTR variant (9), non-coding transcript variant (4), intron variant (9).
Genome position (GRCh38, 1-based): chr9:132,927,234, G>T on the plus strand (C>A on the coding strand, the complement: TSC1 is on the minus strand). VCF-style: chr9-132927234-G-T. GRCh37 (hg19) VCF-style: chr9-135802621-G-T.
Other names: c.177C>A, p.His59Gln (NM_001162426.2, NM_001162427.2, NM_001406592.1 and 21 more transcripts); c.-279C>A (NM_001406624.1, NM_001406616.1); c.-701C>A (NM_001406626.1, NM_001406627.1, NM_001406628.1); c.-843C>A (NM_001406629.1); c.-917C>A (NM_001406630.1); c.-153-1495C>A (NM_001406620.1, NM_001406618.1, NM_001406625.1 and 5 more transcripts); c.-245-1495C>A (NM_001406614.1); c.-312C>A (NM_001406615.1, NM_001406623.1); short protein forms H59Q.
Identifiers: ClinVar variation 4192066 (VCV004192066.1).